The following is an entry in ClinVar:

NM_020750.3(XPO5):c.2775+9T>G

Genes: POLR1C (RNA polymerase I and III subunit C; plus strand), XPO5 (exportin 5; minus strand). Cytogenetic location: 6p21.1.
Variant type: single nucleotide variant.
Coding change: c.2775+9T>G on transcript NM_020750.3 (MANE Select); 9 bases into the intron after coding-DNA position 2775, T replaced by G.
Molecular consequence: intron variant.
Genome position (GRCh38, 1-based): chr6:43,528,819, A>C on the plus strand (T>G on the coding strand, the complement: XPO5 is on the minus strand). VCF-style: chr6-43528819-A-C. GRCh37 (hg19) VCF-style: chr6-43496557-A-C.
Other names: c.922+7771A>C (NM_001363658.2); c.923-430A>C (NM_001318876.2).
Identifiers: ClinVar variation 3044792 (VCV003044792.2), dbSNP rs765427694, ClinGen allele CA3826004.

ClinVar aggregate classification (germline): Likely benign (0 of 4 stars; one submission).

Conditions:
XPO5-related disorder. Also called: XPO5-related condition.

Allele frequency attached by ClinVar (database versions not stated): ExAC 0.00001; gnomAD exomes below 0.00001.
gnomAD v4.1: 4 of 1,612,728 alleles (0.00025%); highest among the groups gnomAD compares: Non-Finnish European, 0.00034%; no homozygotes.

Submission:

PreventionGenetics, part of Exact Sciences
Classification: Likely benign for XPO5-related condition. Last evaluated: 2022-11-30. Review status: no assertion criteria provided. Collection method: clinical testing. Allele origin: germline.
Comment: This variant is classified as likely benign based on ACMG/AMP sequence variant interpretation guidelines (Richards et al. 2015 PMID: 25741868, with internal and published modifications).